The following is an entry in ClinVar:

ClinVar aggregate classification (germline): Benign. Review status: criteria provided, multiple submitters, no conflicts (2 of 4 stars). 3 submissions from 3 submitters: Benign (2). 1 of the submissions does not count toward it. Last evaluated 2026-02-04.

Conditions:
MGP-related disorder. Also called: MGP-related condition.

Submissions (3):

Labcorp Genetics (formerly Invitae), Labcorp
Classification: Benign. Last evaluated: 2026-02-04. Review status: criteria provided, single submitter. Criteria: Invitae Variant Classification Sherloc (09022015). Collection method: clinical testing. Allele origin: germline.

GeneDx
Classification: Benign. Last evaluated: 2018-11-09. Review status: criteria provided, single submitter. Criteria: GeneDx Variant Classification Process June 2021. Collection method: clinical testing. Allele origin: germline. Affected: yes.

PreventionGenetics, part of Exact Sciences
Classification: Benign for MGP-related condition. Last evaluated: 2019-05-24. Review status: no assertion criteria provided. Collection method: clinical testing. Allele origin: germline. Not counted in ClinVar's aggregate classification.
Comment: This variant is classified as benign based on ACMG/AMP sequence variant interpretation guidelines (Richards et al. 2015 PMID: 25741868, with internal and published modifications).

NM_000900.5(MGP):c.62-18dup

Gene: MGP (matrix Gla protein; minus strand). Cytogenetic location: 12p12.3.
Variant type: Duplication.
Coding change: c.62-18dup on transcript NM_000900.5 (MANE Select); 18 bases into the intron before coding-DNA position 62, one base duplicated (T; older notation c.62-18dupT).
Molecular consequence: intron variant.
Genome position (GRCh38, 1-based): chr12:14,884,254, A duplicated on the plus strand (T on the coding strand, the reverse complement: MGP is on the minus strand); the first of 10 consecutive A bases (chr12:14,884,254-14,884,263); duplicating any one gives the same sequence. VCF-style (leftmost placement, unchanged base first): chr12-14884253-T-TA. GRCh37 (hg19) VCF-style: chr12-15037187-T-TA.
Other names: c.137-18dup (NM_001190839.3); c.62-9dupT (NM_000900.4).
Identifiers: ClinVar variation 307773 (VCV000307773.17), dbSNP rs11393307, ClinGen allele CA6465200.